The following is an entry in ClinVar:

ClinVar aggregate classification (germline): Uncertain significance. Review status: criteria provided, multiple submitters, no conflicts (2 of 4 stars). 2 submissions from 2 submitters: Uncertain significance (2). Last evaluated 2023-07-19.

Conditions:
Inborn genetic diseases. Identifiers: MedGen C0950123, MeSH D030342.
Polycystic kidney disease, adult type (PKD1). Also called: Polycystic Kidney Disease 1, Autosomal Dominant; Polycystic kidney disease 1; Polycystic kidney disease 1, severe; Polycystic Kidney, Autosomal Dominant; POLYCYSTIC KIDNEY DISEASE, ADULT, TYPE I; POLYCYSTIC KIDNEY DISEASE 1 WITH OR WITHOUT POLYCYSTIC LIVER DISEASE. Identifiers: MedGen C3149841, MONDO:0008263, OMIM 173900.

Allele frequency attached by ClinVar (database versions not stated): gnomAD 0.00001; gnomAD exomes 0.00001.
gnomAD v4.1: 5 of 1,451,364 alleles (0.00034%); highest among the groups gnomAD compares: Non-Finnish European, 0.00045%; no homozygotes.

Submissions (2):

Center for Precision Genome Editing and Genetic Technologies for Biomedicine, Pirogov Russian National Research Medical University
Classification: Uncertain significance for Polycystic kidney disease, adult type. Last evaluated: 2023-07-19. Review status: criteria provided, single submitter. Criteria: ACMG Guidelines, 2015. Collection method: clinical testing. Allele origin: germline. Inheritance: Autosomal dominant inheritance. Affected: yes. Observed: 1 heterozygote.
Comment: This variant has not been detected in control samples nor in patients with kidney disease, PM2. Case is very similar to clinical cases described in literature, hence the PP4 criterion applies.

Ambry Genetics
Classification: Uncertain significance for Inborn genetic diseases. Last evaluated: 2023-06-02. Review status: criteria provided, single submitter. Criteria: Ambry Variant Classification Scheme 2023. Collection method: clinical testing. Allele origin: germline.

NM_001009944.3(PKD1):c.11623G>A (p.Ala3875Thr)

Genes: PKD1 (polycystin 1, transient receptor potential channel interacting; minus strand), PKD1-AS1 (PKD1 antisense RNA 1; plus strand). Cytogenetic location: 16p13.3.
Variant type: single nucleotide variant.
Coding change: c.11623G>A on transcript NM_001009944.3 (MANE Select); coding-DNA position 11623, G replaced by A.
Protein change: p.Ala3875Thr; replaces alanine 3875 with threonine.
Molecular consequence: missense variant. On other transcripts: non-coding transcript variant (1).
Genome position (GRCh38, 1-based): chr16:2,091,512, C>T on the plus strand (G>A on the coding strand, the complement: PKD1 is on the minus strand). VCF-style: chr16-2091512-C-T. GRCh37 (hg19) VCF-style: chr16-2141513-C-T.
Other names: c.11620G>A, p.Ala3874Thr (NM_000296.4); short protein forms A3874T, A3875T.
Identifiers: ClinVar variation 2556185 (VCV002556185.4), dbSNP rs1381046981, ClinGen allele CA394331795.